The following is an entry in ClinVar:

ClinVar aggregate classification (germline): Benign/Likely benign. Review status: criteria provided, multiple submitters, no conflicts (2 of 4 stars). 4 submissions from 4 submitters: Benign (2); Likely benign (2). Last evaluated 2026-08-01.

Allele frequency attached by ClinVar (database versions not stated): 1000 Genomes Project 30x 0.00016; 1000 Genomes Project 0.00020; gnomAD 0.00043 and 0.00046; TOPMed 0.00048; ExAC 0.00052; gnomAD exomes 0.00053 and 0.00066; ESP Exome Variant Server 0.00069.
gnomAD v4.1: 1,097 of 1,614,058 alleles (0.068%); highest among the groups gnomAD compares: Middle Eastern, 0.35%; 3 homozygotes.

Submissions (4):

CeGaT Center for Human Genetics Tuebingen
Classification: Likely benign. Last evaluated: 2026-08-01. Review status: criteria provided, single submitter. Criteria: CeGaT Center For Human Genetics Tuebingen Variant Classification Criteria Version 2. Collection method: clinical testing. Allele origin: germline. Affected: yes. Observed: 2 variant alleles.
Comment: CENPF: BP4, BP7

Labcorp Genetics (formerly Invitae), Labcorp
Classification: Benign. Last evaluated: 2025-12-31. Review status: criteria provided, single submitter. Criteria: Invitae Variant Classification Sherloc (09022015). Collection method: clinical testing. Allele origin: germline.

Blueprint Genetics
Classification: Likely benign. Last evaluated: 2024-10-21. Review status: criteria provided, single submitter. Criteria: ACMG Guidelines, 2015. Collection method: clinical testing. Allele origin: germline.

Breakthrough Genomics
Classification: Benign. Review status: criteria provided, single submitter. Criteria: ACMG Guidelines, 2015. Collection method: not provided. Allele origin: germline. Inheritance: Autosomal recessive inheritance. Affected: yes.

NM_016343.4(CENPF):c.5862A>G (p.Ser1954=)

Gene: CENPF (centromere protein F; plus strand). Cytogenetic location: 1q41.
Variant type: single nucleotide variant.
Coding change: c.5862A>G on transcript NM_016343.4 (MANE Select); coding-DNA position 5862, A replaced by G.
Protein change: p.Ser1954=; no amino-acid change (serine 1954 retained).
Molecular consequence: synonymous variant.
Genome position (GRCh38, 1-based): chr1:214,645,432, A>G. VCF-style: chr1-214645432-A-G. GRCh37 (hg19) VCF-style: chr1-214818775-A-G.
Identifiers: ClinVar variation 725062 (VCV000725062.38), dbSNP rs150348132, ClinGen allele CA1390860.